The following is an entry in ClinVar:

NM_015721.3(GEMIN4):c.761_762del (p.Glu254fs)

Gene: GEMIN4 (gem nuclear organelle associated protein 4; minus strand). Cytogenetic location: 17p13.3.
Variant type: Microsatellite.
Coding change: c.761_762del on transcript NM_015721.3 (MANE Select); coding-DNA positions 761 to 762, 2 bases deleted (AG; older notation c.761_762delAG).
Protein change: p.Glu254fs; shifts the reading frame from glutamic acid 254.
Molecular consequence: frameshift variant.
Genome position (GRCh38, 1-based): chr17:747,281-747,282, CT deleted on the plus strand (AG on the coding strand, the reverse complement: GEMIN4 is on the minus strand); deleting any 2 consecutive bases within chr17:747,281-747,284 gives the same sequence; the c. name uses the placement nearest the transcript's 3' end. VCF-style (leftmost placement, unchanged base first): chr17-747280-CCT-C. GRCh37 (hg19) VCF-style: chr17-650520-CCT-C.
Other names: short protein forms E254fs.
Identifiers: ClinVar variation 4886288 (VCV004886288.2).

ClinVar aggregate classification (germline): Uncertain significance (1 of 4 stars; one submission).

Submission:

Dasa
Classification: Uncertain significance. Last evaluated: 2026-02-27. Review status: criteria provided, single submitter. Criteria: DASA Assertion Criteria. Collection method: clinical testing. Allele origin: germline.
Comment: NM_015721.3(GEMIN4):c.761_762del (p.Glu254Glyfs*57) is a frameshift variant in GEMIN4 predicted to alter the reading frame and introduce a premature termination codon and is predicted to result in an absent or altered protein product. This variant is rare in population databases. The currently available literature and clinical evidence are not sufficient to establish a definitive association between this variant and the reported condition. Therefore, this variant is classified as a variant of uncertain significance.